The following is an entry in ClinVar:

NM_001164665.2(KIAA1549):c.121C>T (p.Arg41Cys)

Gene: KIAA1549 (KIAA1549; minus strand). Cytogenetic location: 7q34.
Variant type: single nucleotide variant.
Coding change: c.121C>T on transcript NM_001164665.2 (MANE Select); coding-DNA position 121, C replaced by T.
Protein change: p.Arg41Cys; replaces arginine 41 with cysteine.
Molecular consequence: missense variant.
Genome position (GRCh38, 1-based): chr7:138,981,149, G>A on the plus strand (C>T on the coding strand, the complement: KIAA1549 is on the minus strand). VCF-style: chr7-138981149-G-A. GRCh37 (hg19) VCF-style: chr7-138665895-G-A.
Other names: c.121C>T, p.Arg41Cys (NM_020910.3); short protein forms R41C.
Identifiers: ClinVar variation 2836167 (VCV002836167.3), dbSNP rs2485657818, ClinGen allele CA369382344.
Genomic context (GRCh38, chr7:138,981,149, plus strand): 5'-CGCACGAGGCCGGCCGGGCCAGCAGCAGCAGCCAGAGGCCAGGAAGCAGCAGCCCCGGGC[G>A]GCGGCGGCGGGCGCAGCGGGCGGAAGGCCGTCGGCCGCTCGGCCCCGGGGCCAGCGCGAC-3'
Protein context (NP_001158137.1, residues 31-51): RPSARCARRR[Arg41Cys]PGLLLPGLWL

ClinVar aggregate classification (germline): Uncertain significance (1 of 4 stars; one submission).

Submission:

Labcorp Genetics (formerly Invitae), Labcorp
Classification: Uncertain significance. Last evaluated: 2023-03-21. Review status: criteria provided, single submitter. Criteria: Invitae Variant Classification Sherloc (09022015). Collection method: clinical testing. Allele origin: germline.
Comment: This sequence change replaces arginine, which is basic and polar, with cysteine, which is neutral and slightly polar, at codon 41 of the KIAA1549 protein (p.Arg41Cys). The frequency data for this variant in the population databases is considered unreliable, as metrics indicate insufficient coverage at this position in the gnomAD database. This variant has not been reported in the literature in individuals affected with KIAA1549-related conditions. Algorithms developed to predict the effect of missense changes on protein structure and function output the following: SIFT: "Not Available"; PolyPhen-2: "Benign"; Align-GVGD: "Not Available". The cysteine amino acid residue is found in multiple mammalian species, which suggests that this missense change does not adversely affect protein function. In summary, the available evidence is currently insufficient to determine the role of this variant in disease. Therefore, it has been classified as a Variant of Uncertain Significance.